The following is an entry in ClinVar:

NM_022081.6(HPS4):c.132+4A>G

Gene: HPS4 (HPS4 biogenesis of lysosomal organelles complex 3 subunit 2; minus strand). Cytogenetic location: 22q12.1.
Variant type: single nucleotide variant.
Coding change: c.132+4A>G on transcript NM_022081.6 (MANE Select); 4 bases into the intron after coding-DNA position 132, A replaced by G.
Molecular consequence: intron variant.
Genome position (GRCh38, 1-based): chr22:26,479,261, T>C on the plus strand (A>G on the coding strand, the complement: HPS4 is on the minus strand). VCF-style: chr22-26479261-T-C. GRCh37 (hg19) VCF-style: chr22-26875227-T-C.
Other names: c.132+4A>G (NM_001349905.1, NM_001349904.2, NM_001349902.1 and 6 more transcripts); c.117+4A>G (NM_152841.2).
Identifiers: ClinVar variation 2056545 (VCV002056545.4), dbSNP rs2518646967, ClinGen allele CA2580099354.

ClinVar aggregate classification (germline): Uncertain significance (1 of 4 stars; one submission).

Submission:

Labcorp Genetics (formerly Invitae), Labcorp
Classification: Uncertain significance. Last evaluated: 2021-12-24. Review status: criteria provided, single submitter. Criteria: Invitae Variant Classification Sherloc (09022015). Collection method: clinical testing. Allele origin: germline.
Comment: This sequence change falls in intron 3 of the HPS4 gene. It does not directly change the encoded amino acid sequence of the HPS4 protein. It affects a nucleotide within the consensus splice site. This variant is not present in population databases (gnomAD no frequency). This variant has not been reported in the literature in individuals affected with HPS4-related conditions. Variants that disrupt the consensus splice site are a relatively common cause of aberrant splicing (PMID: 17576681, 9536098). Algorithms developed to predict the effect of sequence changes on RNA splicing suggest that this variant may create or strengthen a splice site. In summary, the available evidence is currently insufficient to determine the role of this variant in disease. Therefore, it has been classified as a Variant of Uncertain Significance.

Literature cited by the submitters: PubMed 17576681; PubMed 9536098.